The following is an entry in ClinVar:

NM_013275.6(ANKRD11):c.4877C>T (p.Pro1626Leu)

Gene: ANKRD11 (ankyrin repeat domain 11; minus strand). Cytogenetic location: 16q24.3.
Variant type: single nucleotide variant.
Coding change: c.4877C>T on transcript NM_013275.6 (MANE Select); coding-DNA position 4877, C replaced by T.
Protein change: p.Pro1626Leu; replaces proline 1626 with leucine.
Molecular consequence: missense variant.
Genome position (GRCh38, 1-based): chr16:89,281,665, G>A on the plus strand (C>T on the coding strand, the complement: ANKRD11 is on the minus strand). VCF-style: chr16-89281665-G-A. GRCh37 (hg19) VCF-style: chr16-89348073-G-A.
Other names: c.4877C>T, p.Pro1626Leu (NM_001256182.2, NM_001256183.2); short protein forms P1626L.
Identifiers: ClinVar variation 3388757 (VCV003388757.14).
Genomic context (GRCh38, chr16:89,281,665, plus strand): 5'-TCCAGCCCCGGCGGTTTCTTAGCAGGAATGTCCAGACCCTTCTTCCGCCCGTCGTCTGCC[G>A]GCTTCGCCTTCTCCTTGAGCTTGGGGTCTCCGGACCGGTGCCTCAGCTTCTCCATTTGCT-3'
Protein context (NP_037407.4, residues 1616-1636): GDPKLKEKAK[Pro1626Leu]ADDGRKKGLD

ClinVar aggregate classification (germline): Likely benign (1 of 4 stars; one submission).

gnomAD v4.1: 20 of 1,614,024 alleles (0.0012%); highest among the groups gnomAD compares: East Asian, 0.0045%; no homozygotes.

Submission:

CeGaT Center for Human Genetics Tuebingen
Classification: Likely benign. Last evaluated: 2024-09-01. Review status: criteria provided, single submitter. Criteria: CeGaT Center For Human Genetics Tuebingen Variant Classification Criteria Version 2. Collection method: clinical testing. Allele origin: germline. Affected: yes. Observed: 1 variant allele.
Comment: ANKRD11: BP4